The following is an entry in ClinVar:

ClinVar aggregate classification (germline): Uncertain significance (1 of 4 stars; one submission).

Submission:

Labcorp Genetics (formerly Invitae), Labcorp
Classification: Uncertain significance. Last evaluated: 2025-08-21. Review status: criteria provided, single submitter. Criteria: Invitae Variant Classification Sherloc (09022015). Collection method: clinical testing. Allele origin: germline.
Comment: This sequence change replaces alanine, which is neutral and non-polar, with threonine, which is neutral and polar, at codon 83 of the TUBB1 protein (p.Ala83Thr). This variant is present in population databases (no rsID available, gnomAD 0.0009%). This variant has not been reported in the literature in individuals affected with TUBB1-related conditions. Invitae Evidence Modeling of protein sequence and biophysical properties (such as structural, functional, and spatial information, amino acid conservation, physicochemical variation, residue mobility, and thermodynamic stability) indicates that this missense variant is not expected to disrupt TUBB1 protein function with a negative predictive value of 80%. In summary, the available evidence is currently insufficient to determine the role of this variant in disease. Therefore, it has been classified as a Variant of Uncertain Significance.

NM_030773.4(TUBB1):c.247G>A (p.Ala83Thr)

Gene: TUBB1 (tubulin beta 1 class VI; plus strand). Cytogenetic location: 20q13.32.
Variant type: single nucleotide variant.
Coding change: c.247G>A on transcript NM_030773.4 (MANE Select); coding-DNA position 247, G replaced by A.
Protein change: p.Ala83Thr; replaces alanine 83 with threonine.
Molecular consequence: missense variant.
Genome position (GRCh38, 1-based): chr20:59,023,570, G>A. VCF-style: chr20-59023570-G-A. GRCh37 (hg19) VCF-style: chr20-57598625-G-A.
Other names: short protein forms A83T.
Identifiers: ClinVar variation 4771775 (VCV004771775.1).
Genomic context (GRCh38, chr20:59,023,570, plus strand): 5'-GCAGTCTTGGTGGACCTAGAACCTGGGACGATGGACAGCATTCGATCTAGCAAATTAGGA[G>A]CTCTCTTTCAACCCGACAGTTTTGTCCATGGTATGTTTTTCCAGAAGGTTCCACCAGGAG-3'
Protein context (NP_110400.1, residues 73-93): MDSIRSSKLG[Ala83Thr]LFQPDSFVHG